The following is an entry in ClinVar:

ClinVar aggregate classification (germline): Uncertain significance (1 of 4 stars; one submission).

Submission:

Labcorp Genetics (formerly Invitae), Labcorp
Classification: Uncertain significance. Last evaluated: 2023-12-13. Review status: criteria provided, single submitter. Criteria: Invitae Variant Classification Sherloc (09022015). Collection method: clinical testing. Allele origin: germline.
Comment: This sequence change replaces alanine, which is neutral and non-polar, with glycine, which is neutral and non-polar, at codon 555 of the NSD1 protein (p.Ala555Gly). This variant is not present in population databases (gnomAD no frequency). This variant has not been reported in the literature in individuals affected with NSD1-related conditions. Advanced modeling of protein sequence and biophysical properties (such as structural, functional, and spatial information, amino acid conservation, physicochemical variation, residue mobility, and thermodynamic stability) performed at Invitae indicates that this missense variant is not expected to disrupt NSD1 protein function with a negative predictive value of 95%. In summary, the available evidence is currently insufficient to determine the role of this variant in disease. Therefore, it has been classified as a Variant of Uncertain Significance.

NM_022455.5(NSD1):c.1664C>G (p.Ala555Gly)

Gene: NSD1 (nuclear receptor binding SET domain protein 1; plus strand). Cytogenetic location: 5q35.3.
Variant type: single nucleotide variant.
Coding change: c.1664C>G on transcript NM_022455.5 (MANE Select); coding-DNA position 1664, C replaced by G.
Protein change: p.Ala555Gly; replaces alanine 555 with glycine.
Molecular consequence: missense variant.
Genome position (GRCh38, 1-based): chr5:177,210,063, C>G. VCF-style: chr5-177210063-C-G. GRCh37 (hg19) VCF-style: chr5-176637064-C-G.
Other names: c.791C>G, p.Ala264Gly (NM_001365684.2, NM_001409306.1, NM_001409307.1 and 3 more transcripts); c.1664C>G, p.Ala555Gly (NM_001409301.1, NM_001409302.1, NM_001409303.1); c.1244C>G, p.Ala415Gly (NM_001409304.1); c.911C>G, p.Ala304Gly (NM_001409305.1); short protein forms A415G, A555G, A264G, A304G.
Identifiers: ClinVar variation 3687219 (VCV003687219.2).